The following is an entry in ClinVar:

NM_033028.5(BBS4):c.1550G>A (p.Arg517Lys)

Gene: BBS4 (Bardet-Biedl syndrome 4; plus strand). Cytogenetic location: 15q24.1.
Variant type: single nucleotide variant.
Coding change: c.1550G>A on transcript NM_033028.5 (MANE Select); coding-DNA position 1550, G replaced by A.
Protein change: p.Arg517Lys; replaces arginine 517 with lysine.
Molecular consequence: missense variant. On other transcripts: non-coding transcript variant (2).
Genome position (GRCh38, 1-based): chr15:72,737,577, G>A. VCF-style: chr15-72737577-G-A. GRCh37 (hg19) VCF-style: chr15-73029918-G-A.
Other names: c.1034G>A, p.Arg345Lys (NM_001252678.2); c.1481G>A, p.Arg494Lys (NM_001320665.2); short protein forms R517K, R345K, R494K.
Identifiers: ClinVar variation 1490191 (VCV001490191.3), dbSNP rs201651412, ClinGen allele CA7647066.

ClinVar aggregate classification (germline): Uncertain significance (1 of 4 stars; one submission).

Conditions:
Bardet-Biedl syndrome (BBS). Identifiers: Orphanet 110, MedGen C0752166, MONDO:0015229.

Allele frequency attached by ClinVar (database versions not stated): gnomAD 0.00001; gnomAD exomes 0.00003; ExAC 0.00004; 1000 Genomes Project 0.00020.
gnomAD v4.1: 65 of 1,606,230 alleles (0.004%); highest among the groups gnomAD compares: East Asian, 0.14%; no homozygotes.

Submission:

Labcorp Genetics (formerly Invitae), Labcorp
Classification: Uncertain significance for Bardet-Biedl syndrome. Last evaluated: 2022-09-06. Review status: criteria provided, single submitter. Criteria: Invitae Variant Classification Sherloc (09022015). Collection method: clinical testing. Allele origin: germline.
Comment: This sequence change replaces arginine, which is basic and polar, with lysine, which is basic and polar, at codon 517 of the BBS4 protein (p.Arg517Lys). This variant is present in population databases (rs201651412, gnomAD 0.05%). This variant has not been reported in the literature in individuals affected with BBS4-related conditions. ClinVar contains an entry for this variant (Variation ID: 1490191). Algorithms developed to predict the effect of missense changes on protein structure and function output the following: SIFT: "Tolerated"; PolyPhen-2: "Benign"; Align-GVGD: "Class C0". The lysine amino acid residue is found in multiple mammalian species, which suggests that this missense change does not adversely affect protein function. In summary, the available evidence is currently insufficient to determine the role of this variant in disease. Therefore, it has been classified as a Variant of Uncertain Significance.